The following is an entry in ClinVar:

NM_012079.6(DGAT1):c.1336del (p.Arg446fs)

Gene: DGAT1 (diacylglycerol O-acyltransferase 1; minus strand). Cytogenetic location: 8q24.3.
Variant type: Deletion.
Coding change: c.1336del on transcript NM_012079.6 (MANE Select); coding-DNA position 1336, one base deleted (C; older notation c.1336delC).
Protein change: p.Arg446fs; shifts the reading frame from arginine 446.
Molecular consequence: frameshift variant.
Genome position (GRCh38, 1-based): chr8:144,316,685, G deleted on the plus strand (C on the coding strand, the reverse complement: DGAT1 is on the minus strand); the first of 2 consecutive G bases (chr8:144,316,685-144,316,686); deleting either gives the same sequence. VCF-style (leftmost placement, unchanged base first): chr8-144316684-CG-C. GRCh37 (hg19) VCF-style: chr8-145540347-CG-C.
Other names: short protein forms R446fs.
Identifiers: ClinVar variation 2878442 (VCV002878442.3), dbSNP rs2488946494, ClinGen allele CA2739269038.

ClinVar aggregate classification (germline): Uncertain significance (1 of 4 stars; one submission).

Submission:

Labcorp Genetics (formerly Invitae), Labcorp
Classification: Uncertain significance. Last evaluated: 2023-02-01. Review status: criteria provided, single submitter. Criteria: Invitae Variant Classification Sherloc (09022015). Collection method: clinical testing. Allele origin: germline.
Comment: This sequence change creates a premature translational stop signal (p.Arg446Alafs*22) in the DGAT1 gene. While this is not anticipated to result in nonsense mediated decay, it is expected to disrupt the last 43 amino acid(s) of the DGAT1 protein. This variant is not present in population databases (gnomAD no frequency). This variant has not been reported in the literature in individuals affected with DGAT1-related conditions. In summary, the available evidence is currently insufficient to determine the role of this variant in disease. Therefore, it has been classified as a Variant of Uncertain Significance.